The following is an entry in ClinVar:

NM_001017420.3(ESCO2):c.1353+1del

Gene: ESCO2 (establishment of sister chromatid cohesion N-acetyltransferase 2; plus strand). Cytogenetic location: 8p21.1.
Variant type: Deletion.
Coding change: c.1353+1del on transcript NM_001017420.3 (MANE Select); the canonical splice donor site of the intron after coding-DNA position 1353, one base deleted (G; older notation c.1353+1delG).
Molecular consequence: splice donor variant.
Genome position (GRCh38, 1-based): chr8:27,792,053, G deleted; the last of 2 consecutive G bases (chr8:27,792,052-27,792,053); deleting either gives the same sequence. VCF-style (leftmost placement, unchanged base first): chr8-27792051-AG-A. GRCh37 (hg19) VCF-style: chr8-27649568-AG-A.
Identifiers: ClinVar variation 1076003 (VCV001076003.5), dbSNP rs1805188732, ClinGen allele CA1772928868.

ClinVar aggregate classification (germline): Pathogenic (1 of 4 stars; one submission).

Submission:

Labcorp Genetics (formerly Invitae), Labcorp
Classification: Pathogenic. Last evaluated: 2022-08-13. Review status: criteria provided, single submitter. Criteria: Invitae Variant Classification Sherloc (09022015). Collection method: clinical testing. Allele origin: germline.
Comment: For these reasons, this variant has been classified as Pathogenic. Algorithms developed to predict the effect of sequence changes on RNA splicing suggest that this variant may disrupt the consensus splice site. ClinVar contains an entry for this variant (Variation ID: 1076003). This variant is also known as c.1353+1del. This variant has not been reported in the literature in individuals affected with ESCO2-related conditions. This variant is not present in population databases (gnomAD no frequency). This sequence change creates a premature translational stop signal (p.Val452*) in the ESCO2 gene. It is expected to result in an absent or disrupted protein product. Loss-of-function variants in ESCO2 are known to be pathogenic (PMID: 15821733, 16380922).

Literature cited by the submitters: PubMed 15821733; PubMed 16380922.